The following is an entry in ClinVar:

ClinVar aggregate classification (germline): Likely pathogenic (1 of 4 stars; one submission).

Conditions:
Bilateral frontoparietal polymicrogyria. Also called: CEREBELLAR ATAXIA WITH NEURONAL MIGRATION DEFECT; CORTICAL DYSPLASIA, COMPLEX, WITH OTHER BRAIN MALFORMATIONS 14A (BILATERAL FRONTOPARIETAL). Identifiers: Orphanet 101070, MedGen C1847352, MONDO:0011738, OMIM 606854.

Submission:

Natera, Inc.
Classification: Likely pathogenic for Bilateral frontoparietal polymicrogyria. Last evaluated: 2025-04-17. Review status: criteria provided, single submitter. Criteria: Natera Variant Classification Schema (03/2026). Collection method: clinical testing. Allele origin: germline.
Comment: The c.1668del variant in ADGRG1 is a frameshift variant predicted to shift the reading frame beginning at codon 557 and leads to a stop codon 33 codons downstream. This variant is expected to result in nonsense mediated decay, truncation, or a dysfunctional protein product. This variant is rare in the general population with a frequency below the threshold expected for the associated phenotype(s). Given the available evidence, this variant is classified as Likely Pathogenic.

NM_201525.4(ADGRG1):c.1650del (p.Ile551fs)

Gene: ADGRG1 (adhesion G protein-coupled receptor G1; plus strand). Cytogenetic location: 16q21.
Variant type: Deletion.
Coding change: c.1650del on transcript NM_201525.4 (MANE Select); coding-DNA position 1650, one base deleted (C; older notation c.1650delC).
Protein change: p.Ile551fs; shifts the reading frame from isoleucine 551.
Molecular consequence: frameshift variant.
Genome position (GRCh38, 1-based): chr16:57,660,862, C deleted. VCF-style (leftmost placement, unchanged base first): chr16-57660861-TC-T. GRCh37 (hg19) VCF-style: chr16-57694773-TC-T.
Other names: c.1668del, p.Ile557fs (NM_001370428.1, NM_001370429.1, NM_001370430.1 and 4 more transcripts); c.1665del, p.Ile556fs (NM_001370433.1, NM_001370434.1, NM_001145773.3); c.1650del, p.Ile551fs (NM_001370435.1, NM_001370436.1, NM_001370437.1 and 7 more transcripts); c.1158del, p.Ile387fs (NM_001290142.2); c.1143del, p.Ile382fs (NM_001290143.2); c.1125del, p.Ile376fs (NM_001290144.2, NM_001370451.1, NM_001370453.1 and 1 more transcripts); c.1647del, p.Ile550fs (NM_001370441.1); c.1494del, p.Ile499fs (NM_001370442.1); short protein forms I376fs, I382fs, I387fs, I499fs, I550fs, I551fs, I556fs, I557fs.
Identifiers: ClinVar variation 4068926 (VCV004068926.2).